The following is an entry in ClinVar:

NM_144670.6(A2ML1):c.1249-207C>G

Gene: A2ML1 (alpha-2-macroglobulin like 1; plus strand). Cytogenetic location: 12p13.31.
Variant type: single nucleotide variant.
Coding change: c.1249-207C>G on transcript NM_144670.6 (MANE Select); 207 bases into the intron before coding-DNA position 1249, C replaced by G.
Molecular consequence: intron variant.
Genome position (GRCh38, 1-based): chr12:8,842,927, C>G. VCF-style: chr12-8842927-C-G. GRCh37 (hg19) VCF-style: chr12-8995523-C-G.
Identifiers: ClinVar variation 561521 (VCV000561521.1), dbSNP rs7137125, ClinGen allele CA13613184.
Genomic context (GRCh38, chr12:8,842,927, plus strand): 5'-AAGATACATCACCCACAATTTCCTCTCATTTAGTAACTATAATTCAGCCCTTCTGTCGCT[C>G]TCCTACATACCAAAATATTGCTGTACACAGCTACGTTTATGGATTCTTTATCCATCCTTG-3'

ClinVar aggregate classification (germline): Benign (1 of 4 stars; one submission).

Allele frequency attached by ClinVar (database versions not stated): 1000 Genomes Project 30x 0.42739; 1000 Genomes Project 0.43211; TOPMed 0.47455; gnomAD 0.48769 and 0.48823.
gnomAD v4.1: 74,512 of 152,010 alleles (49%); highest among the groups gnomAD compares: Middle Eastern, 72%; 19,308 homozygotes.

Submission:

GeneDx
Classification: Benign. Last evaluated: 2018-06-14. Review status: criteria provided, single submitter. Criteria: GeneDx Variant Classification (06012015). Collection method: clinical testing. Allele origin: germline. Affected: yes.
Comment: This variant is considered likely benign or benign based on one or more of the following criteria: it is a conservative change, it occurs at a poorly conserved position in the protein, it is predicted to be benign by multiple in silico algorithms, and/or has population frequency not consistent with disease.